The following is an entry in ClinVar:

NM_019032.6(ADAMTSL4):c.2805C>G (p.Ile935Met)

Gene: ADAMTSL4 (ADAMTS like 4; plus strand). Cytogenetic location: 1q21.2.
Variant type: single nucleotide variant.
Coding change: c.2805C>G on transcript NM_019032.6 (MANE Select); coding-DNA position 2805, C replaced by G.
Protein change: p.Ile935Met; replaces isoleucine 935 with methionine.
Molecular consequence: missense variant.
Genome position (GRCh38, 1-based): chr1:150,559,328, C>G. VCF-style: chr1-150559328-C-G. GRCh37 (hg19) VCF-style: chr1-150531804-C-G.
Other names: c.2688C>G, p.Ile896Met (NM_001288607.2); c.2874C>G, p.Ile958Met (NM_001288608.2); c.2805C>G, p.Ile935Met (NM_001378596.1); short protein forms I958M, I935M, I896M.
Identifiers: ClinVar variation 2092935 (VCV002092935.4), dbSNP rs2526786484, ClinGen allele CA342317193.

ClinVar aggregate classification (germline): Uncertain significance (1 of 4 stars; one submission).

gnomAD v4.1: 1 of 1,614,084 alleles (0.000062%); no homozygotes.

Submission:

Labcorp Genetics (formerly Invitae), Labcorp
Classification: Uncertain significance. Last evaluated: 2022-07-19. Review status: criteria provided, single submitter. Criteria: Invitae Variant Classification Sherloc (09022015). Collection method: clinical testing. Allele origin: germline.
Comment: Algorithms developed to predict the effect of missense changes on protein structure and function are either unavailable or do not agree on the potential impact of this missense change (SIFT: "Deleterious"; PolyPhen-2: "Possibly Damaging"; Align-GVGD: "Class C0"). In summary, the available evidence is currently insufficient to determine the role of this variant in disease. Therefore, it has been classified as a Variant of Uncertain Significance. This variant has not been reported in the literature in individuals affected with ADAMTSL4-related conditions. This variant is not present in population databases (gnomAD no frequency). This sequence change replaces isoleucine, which is neutral and non-polar, with methionine, which is neutral and non-polar, at codon 935 of the ADAMTSL4 protein (p.Ile935Met).